The following is an entry in ClinVar:

NM_004612.4(TGFBR1):c.994A>G (p.Arg332Gly)

Gene: TGFBR1 (transforming growth factor beta receptor 1; plus strand). Cytogenetic location: 9q22.33.
Variant type: single nucleotide variant.
Coding change: c.994A>G on transcript NM_004612.4 (MANE Select); coding-DNA position 994, A replaced by G.
Protein change: p.Arg332Gly; replaces arginine 332 with glycine.
Molecular consequence: missense variant.
Genome position (GRCh38, 1-based): chr9:99,144,752, A>G. VCF-style: chr9-99144752-A-G. GRCh37 (hg19) VCF-style: chr9-101907034-A-G.
Other names: c.763A>G, p.Arg255Gly (NM_001130916.3); c.1006A>G, p.Arg336Gly (NM_001306210.2); short protein forms R255G, R332G, R336G.
Identifiers: ClinVar variation 1333472 (VCV001333472.1), dbSNP rs2118804018, ClinGen allele CA374231263.
Genomic context (GRCh38, chr9:99,144,752, plus strand): 5'-TTACCTTTTAAGCAGTCATGTTTAATTTTTGATTCTTTAGGAAAGCCAGCCATTGCTCAT[A>G]GAGATTTGAAATCAAAGAATATCTTGGTAAAGAAGAATGGAACTTGCTGTATTGCAGACT-3'
Protein context (NP_004603.1, residues 322-342): GTQGKPAIAH[Arg332Gly]DLKSKNILVK

ClinVar aggregate classification (germline): Uncertain significance (1 of 4 stars; one submission).

Conditions:
Loeys-Dietz syndrome 1 (LDS1). Also called: FURLONG SYNDROME; AORTIC ANEURYSM, FAMILIAL THORACIC 5; TGFBR1-Related Loeys-Dietz Syndrome. Identifiers: Orphanet 60030, MedGen C4551955, MONDO:0012212, OMIM 609192.

Submission:

3billion
Classification: Uncertain significance for Loeys-Dietz syndrome 1. Last evaluated: 2022-01-03. Review status: criteria provided, single submitter. Criteria: ACMG Guidelines, 2015. Collection method: clinical testing. Allele origin: germline. Affected: yes. Observed: 1 heterozygote.
Comment: The variant is not observed in the gnomAD v2.1.1 dataset (PM2_M). In silico tool predictions suggest damaging effect of the variant on gene or gene product (REVEL: 0.929, 3CNET: 0.997, PP3_P). A missense variant is a common mechanism associated with Loeys-Dietz syndrome 1 (PP2_P). Therefore, this variant is classified as uncertain significance according to the recommendation of ACMG/AMP guideline.